The following is an entry in ClinVar:

ClinVar aggregate classification (germline): Pathogenic. Review status: criteria provided, multiple submitters, no conflicts (2 of 4 stars). 2 submissions from 2 submitters: Pathogenic (2). Last evaluated 2025-12-21.

Conditions:
Neuronal ceroid lipofuscinosis 7 (CLN7). Also called: MFSD8-Related Neuronal Ceroid-Lipofuscinosis. Identifiers: Orphanet 168491, Orphanet 228366, MedGen C1838571, MONDO:0012588, OMIM 610951.

gnomAD v4.1: 1 of 1,613,460 alleles (0.000062%); highest among the groups gnomAD compares: South Asian, 0.0011%; no homozygotes.

Submissions (2):

Labcorp Genetics (formerly Invitae), Labcorp
Classification: Pathogenic for Neuronal ceroid lipofuscinosis 7. Last evaluated: 2025-12-21. Review status: criteria provided, single submitter. Criteria: Invitae Variant Classification Sherloc (09022015). Collection method: clinical testing. Allele origin: germline.
Comment: This sequence change creates a premature translational stop signal (p.Trp200*) in the MFSD8 gene. It is expected to result in an absent or disrupted protein product. Loss-of-function variants in MFSD8 are known to be pathogenic (PMID: 19177532, 25227500, 28586915). This variant is not present in population databases (gnomAD no frequency). This variant has not been reported in the literature in individuals affected with MFSD8-related conditions. ClinVar contains an entry for this variant (Variation ID: 1991810). For these reasons, this variant has been classified as Pathogenic.

3billion
Classification: Pathogenic for Neuronal ceroid lipofuscinosis 7. Last evaluated: 2023-12-07. Review status: criteria provided, single submitter. Criteria: ACMG Guidelines, 2015. Collection method: clinical testing. Allele origin: germline. Affected: yes.
Comment: The variant is not observed in the gnomAD v2.1.1 dataset. Predicted Consequence/Location: Stop-gained (nonsense): predicted to result in a loss or disruption of normal protein function through nonsense-mediated decay (NMD) or protein truncation. Multiple pathogenic variants are reported downstream of the variant. The variant has been reported to be associated with MFSD8 related disorder (ClinVar ID: VCV001991810 /PMID: 36435927). However, the evidence of pathogenicity is insufficient at this time. Therefore, this variant is classified as Pathogenic according to the recommendation of ACMG/AMP guideline.

Literature cited by the submitters: PubMed 19177532 (cited by Labcorp Genetics (formerly Invitae), Labcorp); PubMed 25227500 (cited by Labcorp Genetics (formerly Invitae), Labcorp); PubMed 28586915 (cited by Labcorp Genetics (formerly Invitae), Labcorp); PubMed 36435927 (cited by 3billion).

NM_001371596.2(MFSD8):c.600G>A (p.Trp200Ter)

Gene: MFSD8 (major facilitator superfamily domain containing 8; minus strand). Cytogenetic location: 4q28.2.
Variant type: single nucleotide variant.
Coding change: c.600G>A on transcript NM_001371596.2 (MANE Select); coding-DNA position 600, G replaced by A.
Protein change: p.Trp200Ter; replaces tryptophan 200 with a stop codon.
Molecular consequence: nonsense. On other transcripts: intron variant (5).
Genome position (GRCh38, 1-based): chr4:127,939,951, C>T on the plus strand (G>A on the coding strand, the complement: MFSD8 is on the minus strand). VCF-style: chr4-127939951-C-T. GRCh37 (hg19) VCF-style: chr4-128861106-C-T.
Other names: c.465G>A, p.Trp155Ter (NM_001371590.2); c.600G>A, p.Trp200Ter (NM_001371591.2, NM_152778.4); c.606G>A, p.Trp202Ter (NM_001371592.2); c.486G>A, p.Trp162Ter (NM_001371593.2, NM_001410766.1); c.419-1115G>A (NM_001371595.1); c.304+3801G>A (NM_001410765.1); c.439+3801G>A (NM_001363521.3); c.553+2094G>A (NM_001363520.3); and 1 more; short protein forms W162*, W200*, W202*, W155*.
Identifiers: ClinVar variation 1991810 (VCV001991810.5), dbSNP rs2546138613, ClinGen allele CA358175511.